The following is an entry in ClinVar:

NM_022367.4(SEMA4A):c.1215G>T (p.Thr405=)

Gene: SEMA4A (semaphorin 4A; plus strand). Cytogenetic location: 1q22.
Variant type: single nucleotide variant.
Coding change: c.1215G>T on transcript NM_022367.4 (MANE Select); coding-DNA position 1215, G replaced by T.
Protein change: p.Thr405=; no amino-acid change (threonine 405 retained).
Molecular consequence: synonymous variant.
Genome position (GRCh38, 1-based): chr1:156,172,906, G>T. VCF-style: chr1-156172906-G-T. GRCh37 (hg19) VCF-style: chr1-156142697-G-T.
Other names: c.1215G>T, p.Thr405= (NM_001193300.2, NM_001193301.2, NM_001370567.1); c.819G>T, p.Thr273= (NM_001193302.2); c.918G>T, p.Thr306= (NM_001370568.1); c.708G>T, p.Thr236= (NM_001370569.1, NM_001370571.1).
Identifiers: ClinVar variation 292851 (VCV000292851.16), dbSNP rs151260330, ClinGen allele CA1155305.

ClinVar aggregate classification (germline): Conflicting classifications of pathogenicity. Review status: criteria provided, conflicting classifications (1 of 4 stars). 4 submissions from 3 submitters: Uncertain significance (1); Likely benign (3). Last evaluated 2025-12-06.

Conditions:
Cone-rod dystrophy 10 (CORD10). Identifiers: Orphanet 1872, MedGen C1846529, MONDO:0012464, OMIM 610283.
Retinitis pigmentosa (RP). Identifiers: Orphanet 791, MedGen C0035334, MeSH D012174, MONDO:0019200, OMIM 268000. Inheritance: Autosomal dominant, autosomal recessive and X linked inheritance.

Allele frequency attached by ClinVar (database versions not stated): 1000 Genomes Project 30x 0.00016; 1000 Genomes Project 0.00020; gnomAD 0.00044 and 0.00047; TOPMed 0.00060; ESP Exome Variant Server 0.00085.
gnomAD v4.1: 1,054 of 1,614,116 alleles (0.065%); highest among the groups gnomAD compares: Non-Finnish European, 0.085%; no homozygotes.

Submissions (4):

Labcorp Genetics (formerly Invitae), Labcorp
Classification: Likely benign. Last evaluated: 2025-12-06. Review status: criteria provided, single submitter. Criteria: Invitae Variant Classification Sherloc (09022015). Collection method: clinical testing. Allele origin: germline.

Blueprint Genetics
Classification: Likely benign. Last evaluated: 2024-10-18. Review status: criteria provided, single submitter. Criteria: ACMG Guidelines, 2015. Collection method: clinical testing. Allele origin: germline.

Illumina Laboratory Services, Illumina
Classification: Uncertain significance for Cone-rod dystrophy 10. Last evaluated: 2018-01-12. Review status: criteria provided, single submitter. Criteria: ICSL Variant Classification Criteria 13 December 2019. Collection method: clinical testing. Allele origin: germline.

Illumina Laboratory Services, Illumina
Classification: Likely benign for Retinitis pigmentosa. Last evaluated: 2018-01-12. Review status: criteria provided, single submitter. Criteria: ICSL Variant Classification Criteria 13 December 2019. Collection method: clinical testing. Allele origin: germline.
Comment: This variant was observed in the ICSL laboratory as part of a predisposition screen in an ostensibly healthy population. It had not been previously curated by ICSL or reported in the Human Gene Mutation Database (HGMD: prior to June 1st, 2018), and was therefore a candidate for classification through an automated scoring system. Utilizing variant allele frequency, disease prevalence and penetrance estimates, and inheritance mode, an automated score was calculated to assess if this variant is too frequent to cause the disease. Based on the score and internal cut-off values, a variant classified as likely benign is not then subjected to further curation. The score for this variant resulted in a classification of likely benign for this disease.